The following is an entry in ClinVar:

ClinVar aggregate classification (germline): Uncertain significance. Review status: criteria provided, multiple submitters, no conflicts (2 of 4 stars). 2 submissions from 2 submitters: Uncertain significance (2). Last evaluated 2025-11-23.

Conditions:
Hereditary cancer-predisposing syndrome. Also called: Neoplastic Syndromes, Hereditary; Tumor predisposition; Hereditary neoplastic syndrome; Hereditary Cancer Syndrome. Identifiers: Orphanet 140162, MedGen C0027672, MeSH D009386, MONDO:0015356.

Allele frequency attached by ClinVar (database versions not stated): gnomAD exomes below 0.00001 and 0.00002; TOPMed 0.00001; ExAC 0.00002.
gnomAD v4.1: 3 of 1,591,962 alleles (0.00019%); highest among the groups gnomAD compares: East Asian, 0.0067%; no homozygotes.

Submissions (2):

Labcorp Genetics (formerly Invitae), Labcorp
Classification: Uncertain significance. Last evaluated: 2025-11-23. Review status: criteria provided, single submitter. Criteria: Invitae Variant Classification Sherloc (09022015). Collection method: clinical testing. Allele origin: germline.
Comment: This sequence change replaces leucine, which is neutral and non-polar, with histidine, which is basic and polar, at codon 1136 of the MSH3 protein (p.Leu1136His). This variant is present in population databases (rs753475996, gnomAD 0.02%). This variant has not been reported in the literature in individuals affected with MSH3-related conditions. ClinVar contains an entry for this variant (Variation ID: 823738). An algorithm developed to predict the effect of missense changes on protein structure and function (PolyPhen-2) suggests that this variant is likely to be tolerated. In summary, the available evidence is currently insufficient to determine the role of this variant in disease. Therefore, it has been classified as a Variant of Uncertain Significance.

Ambry Genetics
Classification: Uncertain significance for Hereditary cancer-predisposing syndrome. Last evaluated: 2024-11-01. Review status: criteria provided, single submitter. Criteria: Ambry Variant Classification Scheme 2023. Collection method: clinical testing. Allele origin: germline.
Comment: The p.L1136H variant (also known as c.3407T>A), located in coding exon 24 of the MSH3 gene, results from a T to A substitution at nucleotide position 3407. The leucine at codon 1136 is replaced by histidine, an amino acid with similar properties. This amino acid position is poorly conserved in available vertebrate species. In addition, this alteration is predicted to be tolerated by in silico analysis. Since supporting evidence is limited at this time, the clinical significance of this alteration remains unclear.

NM_002439.5(MSH3):c.3407T>A (p.Leu1136His)

Gene: MSH3 (mutS homolog 3; plus strand). Cytogenetic location: 5q14.1.
Variant type: single nucleotide variant.
Coding change: c.3407T>A on transcript NM_002439.5 (MANE Select); coding-DNA position 3407, T replaced by A.
Protein change: p.Leu1136His; replaces leucine 1136 with histidine.
Molecular consequence: missense variant.
Genome position (GRCh38, 1-based): chr5:80,875,855, T>A. VCF-style: chr5-80875855-T-A. GRCh37 (hg19) VCF-style: chr5-80171674-T-A.
Other names: short protein forms L1136H.
Identifiers: ClinVar variation 823738 (VCV000823738.12), dbSNP rs753475996, ClinGen allele CA3328537.
Genomic context (GRCh38, chr5:80,875,855, plus strand): 5'-CACAAGACCTGCAGAAGTGGACAGAGGAGTTCAACATGGAAGAAACACAGACTTCTCTTC[T>A]TCATTAAAATGAAGACTACATTTGTGAACAAAAAATGGAGAATTAAAAATACCAACTGTA-3'
Protein context (NP_002430.3, residues 1126-1137): FNMEETQTSL[Leu1136His]H